The following is an entry in ClinVar:

ClinVar aggregate classification (germline): Uncertain significance. Review status: criteria provided, multiple submitters, no conflicts (2 of 4 stars). 2 submissions from 2 submitters: Uncertain significance (2). Last evaluated 2026-04-16.

Conditions:
Malignant hyperthermia, susceptibility to, 1 (MHS1). Also called: Anesthesia related hyperthermia; Malignant hyperpyrexia; Malignant hyperthermia suceptibility 1; Fulminating hyperpyrexia; Pharmacogenic myopathy; RYR1-Related Malignant Hyperthermia Susceptibility. Identifiers: Orphanet 423, MedGen C2930980, MONDO:0007783, OMIM 145600.
Inborn genetic diseases. Identifiers: MedGen C0950123, MeSH D030342.

Submissions (2):

Ambry Genetics
Classification: Uncertain significance for Inborn genetic diseases. Last evaluated: 2026-04-16. Review status: criteria provided, single submitter. Criteria: Ambry Variant Classification Scheme 2023. Collection method: clinical testing. Allele origin: germline.

Color Diagnostics, LLC DBA Color Health
Classification: Uncertain significance for Malignant hyperthermia, susceptibility to, 1. Last evaluated: 2025-08-17. Review status: criteria provided, single submitter. Criteria: ACMG Guidelines, 2015. Collection method: clinical testing. Allele origin: germline.
Comment: This missense variant replaces glutamic acid with aspartic acid at codon 2412 of the RYR1 protein. Computational prediction is inconclusive regarding the impact of this variant on protein structure and function. To our knowledge, functional studies have not been reported for this variant. This variant has not been reported in individuals affected with RYR1-related disorders in the literature. This variant has not been identified in the general population by the Genome Aggregation Database (gnomAD). The available evidence is insufficient to determine the role of this variant in disease conclusively. Therefore, this variant is classified as a Variant of Uncertain Significance.

NM_000540.3(RYR1):c.7236A>T (p.Glu2412Asp)

Gene: RYR1 (ryanodine receptor 1; plus strand). Cytogenetic location: 19q13.2.
Variant type: single nucleotide variant.
Coding change: c.7236A>T on transcript NM_000540.3 (MANE Select); coding-DNA position 7236, A replaced by T.
Protein change: p.Glu2412Asp; replaces glutamic acid 2412 with aspartic acid.
Molecular consequence: missense variant.
Genome position (GRCh38, 1-based): chr19:38,499,929, A>T. VCF-style: chr19-38499929-A-T. GRCh37 (hg19) VCF-style: chr19-38990569-A-T.
Other names: c.7236A>T, p.Glu2412Asp (NM_001042723.2); short protein forms E2412D.
Identifiers: ClinVar variation 4756301 (VCV004756301.2).